The following is an entry in ClinVar:

ClinVar aggregate classification (germline): Benign/Likely benign. Review status: criteria provided, multiple submitters, no conflicts (2 of 4 stars). 3 submissions from 3 submitters: Benign (1); Likely benign (2). Last evaluated 2025-05-05.

Conditions:
Hereditary cancer-predisposing syndrome. Also called: Neoplastic Syndromes, Hereditary; Hereditary Cancer Syndrome; Tumor predisposition; Hereditary neoplastic syndrome. Identifiers: Orphanet 140162, MedGen C0027672, MeSH D009386, MONDO:0015356.
Hereditary nonpolyposis colorectal neoplasms. Identifiers: MedGen C0009405, MeSH D003123.
Lynch syndrome 4 (LYNCH4). Also called: Hereditary non-polyposis colorectal cancer, type 4; Colorectal cancer, hereditary nonpolyposis, type 4. Identifiers: Orphanet 144, MedGen C1838333, MONDO:0013699, OMIM 614337. Disease mechanism: loss of function.

Allele frequency attached by ClinVar (database versions not stated): gnomAD exomes below 0.00001 and 0.00001; ExAC 0.00002.
gnomAD v4.1: 2 of 1,609,426 alleles (0.00012%); highest among the groups gnomAD compares: Admixed American, 0.0033%; no homozygotes.

Submissions (3):

Labcorp Genetics (formerly Invitae), Labcorp
Classification: Likely benign for Hereditary nonpolyposis colorectal neoplasms. Last evaluated: 2025-05-05. Review status: criteria provided, single submitter. Criteria: Invitae Variant Classification Sherloc (09022015). Collection method: clinical testing. Allele origin: germline.

Myriad Genetics, Inc.
Classification: Benign for Lynch syndrome 4. Last evaluated: 2025-01-29. Review status: criteria provided, single submitter. Criteria: Myriad Autosomal Dominant, Autosomal Recessive and X-Linked Classification Criteria (2023). Collection method: clinical testing. Allele origin: unknown.
Comment: This variant is considered benign. This variant is a silent/synonymous amino acid change and it is not expected to impact splicing.

Ambry Genetics
Classification: Likely benign for Hereditary cancer-predisposing syndrome. Last evaluated: 2022-11-15. Review status: criteria provided, single submitter. Criteria: Ambry Variant Classification Scheme 2023. Collection method: clinical testing. Allele origin: germline.

NM_000535.7(PMS2):c.1014A>G (p.Pro338=)

Gene: PMS2 (PMS1 homolog 2, mismatch repair system component; minus strand). Cytogenetic location: 7p22.1.
Variant type: single nucleotide variant.
Coding change: c.1014A>G on transcript NM_000535.7 (MANE Select); coding-DNA position 1014, A replaced by G.
Protein change: p.Pro338=; no amino-acid change (proline 338 retained).
Molecular consequence: synonymous variant. On other transcripts: non-coding transcript variant (1), intron variant (2).
Genome position (GRCh38, 1-based): chr7:5,989,930, T>C on the plus strand (A>G on the coding strand, the complement: PMS2 is on the minus strand). VCF-style: chr7-5989930-T-C. GRCh37 (hg19) VCF-style: chr7-6029561-T-C.
Other names: c.1014A>G (NM_000535.5); c.609A>G, p.Pro203= (NM_001322003.2, NM_001322004.2, NM_001322005.2 and 1 more transcripts); c.696A>G, p.Pro232= (NM_001322007.2, NM_001322008.2); c.81A>G, p.Pro27= (NM_001322011.2, NM_001322012.2); c.441A>G, p.Pro147= (NM_001322013.2); c.1014A>G, p.Pro338= (NM_001322014.2); c.705A>G, p.Pro235= (NM_001322015.2); c.583+2043A>G (NM_001322010.2); and 1 more.
Identifiers: ClinVar variation 1554727 (VCV001554727.10), dbSNP rs749443737, ClinGen allele CA041500.
Genomic context (GRCh38, chr7:5,989,930, plus strand): 5'-AGAGGTCTTTAAAACTGCCAACAAAAGCTTTTCCTCTTGTAGCAAAATTTGCCTTTTATC[T>C]GGAGTAACATTGATATCAACGCATTCTAAGGCAAAAAAGAAAACATATTTATTATGTTTA-3'
Protein context (NP_000526.2, residues 328-348): DSECVDINVT[Pro338=]DKRQILLQEE